The following is an entry in ClinVar:

ClinVar aggregate classification (germline): Uncertain significance. Review status: criteria provided, multiple submitters, no conflicts (2 of 4 stars). 2 submissions from 2 submitters: Uncertain significance (2). Last evaluated 2024-07-27.

Conditions:
Immunodeficiency 18 (IMD18). Also called: CD3epsilon deficiency; CD3-EPSILON DEFICIENCY. Identifiers: MedGen C3810127, MONDO:0014278, OMIM 615615.

Allele frequency attached by ClinVar (database versions not stated): gnomAD 0.00003 and 0.00004; TOPMed 0.00003.

Submissions (2):

Women's Health and Genetics/Laboratory Corporation of America, LabCorp
Classification: Uncertain significance. Last evaluated: 2024-07-27. Review status: criteria provided, single submitter. Criteria: LabCorp Variant Classification Summary - May 2015. Collection method: clinical testing. Allele origin: germline.

Labcorp Genetics (formerly Invitae), Labcorp
Classification: Uncertain significance for Immunodeficiency 18. Last evaluated: 2022-08-15. Review status: criteria provided, single submitter. Criteria: Invitae Variant Classification Sherloc (09022015). Collection method: clinical testing. Allele origin: germline.
Comment: This sequence change falls in intron 7 of the CD3E gene. It does not directly change the encoded amino acid sequence of the CD3E protein. It affects a nucleotide within the consensus splice site. This variant is present in population databases (rs765464852, gnomAD 0.01%). This variant has not been reported in the literature in individuals affected with CD3E-related conditions. ClinVar contains an entry for this variant (Variation ID: 1499134). Variants that disrupt the consensus splice site are a relatively common cause of aberrant splicing (PMID: 17576681, 9536098). Algorithms developed to predict the effect of sequence changes on RNA splicing suggest that this variant may disrupt the consensus splice site. In summary, the available evidence is currently insufficient to determine the role of this variant in disease. Therefore, it has been classified as a Variant of Uncertain Significance.

Literature cited by the submitters: PubMed 17576681 (cited by Labcorp Genetics (formerly Invitae), Labcorp); PubMed 9536098 (cited by Labcorp Genetics (formerly Invitae), Labcorp).

NM_000733.4(CD3E):c.520+5G>A

Gene: CD3E (CD3 epsilon subunit of T-cell receptor complex; plus strand). Cytogenetic location: 11q23.3.
Variant type: single nucleotide variant.
Coding change: c.520+5G>A on transcript NM_000733.4 (MANE Select); 5 bases into the intron after coding-DNA position 520, G replaced by A.
Molecular consequence: intron variant.
Genome position (GRCh38, 1-based): chr11:118,313,879, G>A. VCF-style: chr11-118313879-G-A. GRCh37 (hg19) VCF-style: chr11-118184594-G-A.
Identifiers: ClinVar variation 1499134 (VCV001499134.4), dbSNP rs765464852, ClinGen allele CA6301742.